The following is an entry in ClinVar:

NM_000419.5(ITGA2B):c.2570G>T (p.Cys857Phe)

Gene: ITGA2B (integrin subunit alpha 2b; minus strand). Cytogenetic location: 17q21.31.
Variant type: single nucleotide variant.
Coding change: c.2570G>T on transcript NM_000419.5 (MANE Select); coding-DNA position 2570, G replaced by T.
Protein change: p.Cys857Phe; replaces cysteine 857 with phenylalanine.
Molecular consequence: missense variant.
Genome position (GRCh38, 1-based): chr17:44,375,864, C>A on the plus strand (G>T on the coding strand, the complement: ITGA2B is on the minus strand). VCF-style: chr17-44375864-C-A. GRCh37 (hg19) VCF-style: chr17-42453232-C-A.
Other names: short protein forms C857F.
Identifiers: ClinVar variation 1210174 (VCV001210174.2), dbSNP rs1242785708, ClinGen allele CA399794409.

ClinVar aggregate classification (germline): Uncertain significance (3 of 4 stars; one submission).

Conditions:
Glanzmann thrombasthenia. Also called: BLEEDING DISORDER, PLATELET-TYPE, 2; THROMBASTHENIA OF GLANZMANN AND NAEGELI; PLATELET GLYCOPROTEIN IIb-IIIa DEFICIENCY; Thrombasthenia; Glanzmann's thrombasthenia. Identifiers: Orphanet 849, MedGen C0040015, MONDO:0100326.

Submission:

ClinGen Platelet Disorders Variant Curation Expert Panel, ClinGen
Classification: Uncertain significance for Glanzmann thrombasthenia. Last evaluated: 2024-06-06. Review status: reviewed by expert panel. Criteria: ClinGen Platelet ACMG Specifications v2-1. Collection method: curation. Allele origin: germline. Inheritance: Autosomal recessive inheritance.
Comment: The NM_000419.5(ITGA2B):c.2570G>T (p.Cys857Phe) missense variant is absent from gnomAD v4.0 (PM2_Supporting). It has been reported in two patients with GT (PMID: 29675921, Patient 439 of the Glanzmann Thrombasthenia Database), both compound heterozygous with variants of uncertain significance. GT39 of PMID: 29675921 meets the criteria for PP4_moderate; including mucocutaneous bleeding, and impaired aggregation with all agonists except ristocetin. There was reduced function of αIIbβ3 measured by flow cytometry, however 43% PAC-1 binding was not considered sufficient to meet PP4_strong. In summary, based on the evidence available at this time, the variant is classified as uncertain significance for GT. GT-specific criteria applied: PM2_supporting and PP4_moderate.